The following is an entry in ClinVar:

NM_001103.4(ACTN2):c.82C>A (p.Arg28Ser)

Gene: ACTN2 (actinin alpha 2; plus strand). Cytogenetic location: 1q43.
Variant type: single nucleotide variant.
Coding change: c.82C>A on transcript NM_001103.4 (MANE Select); coding-DNA position 82, C replaced by A.
Protein change: p.Arg28Ser; replaces arginine 28 with serine.
Molecular consequence: missense variant. On other transcripts: 5 prime UTR variant (1).
Genome position (GRCh38, 1-based): chr1:236,686,755, C>A. VCF-style: chr1-236686755-C-A. GRCh37 (hg19) VCF-style: chr1-236850055-C-A.
Other names: c.82C>A, p.Arg28Ser (NM_001278343.2); c.-740C>A (NM_001278344.2); short protein forms R28S.
Identifiers: ClinVar variation 1683917 (VCV001683917.2), dbSNP rs730880040, ClinGen allele CA345358324.

ClinVar aggregate classification (germline): Uncertain significance (1 of 4 stars; one submission).

Submission:

GeneDx
Classification: Uncertain significance. Last evaluated: 2021-11-05. Review status: criteria provided, single submitter. Criteria: GeneDx Variant Classification Process June 2021. Collection method: clinical testing. Allele origin: germline. Affected: yes.
Comment: In silico analysis supports that this missense variant has a deleterious effect on protein structure/function; Has not been previously published as pathogenic or benign to our knowledge